The following is an entry in ClinVar:

ClinVar aggregate classification (germline): Likely pathogenic (1 of 4 stars; one submission).

Submission:

GeneDx
Classification: Likely pathogenic. Last evaluated: 2020-07-21. Review status: criteria provided, single submitter. Criteria: GeneDx Variant Classification Process June 2021. Collection method: clinical testing. Allele origin: germline. Affected: yes.
Comment: Has not been previously published as pathogenic or benign to our knowledge; Not observed in large population cohorts (Lek et al., 2016); Frameshift variant predicted to result in protein truncation or nonsense mediated decay in a gene for which loss-of-function is a known mechanism of disease; Located in the A-band region of titin, where the majority of truncating pathogenic variants associated with DCM have been reported (Herman et al., 2012)

NM_001267550.2(TTN):c.78225del (p.Ala26076fs)

Genes: TTN (titin; minus strand), TTN-AS1 (TTN antisense RNA 1; plus strand). Cytogenetic location: 2q31.2.
Variant type: Deletion.
Coding change: c.78225del on transcript NM_001267550.2 (MANE Select); coding-DNA position 78225, one base deleted (A; older notation c.78225delA).
Protein change: p.Ala26076fs; shifts the reading frame from alanine 26076.
Molecular consequence: frameshift variant.
Genome position (GRCh38, 1-based): chr2:178,567,907, T deleted on the plus strand (A on the coding strand, the reverse complement: TTN is on the minus strand); the first of 3 consecutive T bases (chr2:178,567,907-178,567,909); deleting any one gives the same sequence. VCF-style (leftmost placement, unchanged base first): chr2-178567906-CT-C. GRCh37 (hg19) VCF-style: chr2-179432633-CT-C.
Other names: c.73302delA (NM_001256850.1); c.73302del, p.Ala24435fs (NM_001256850.1); c.51030del, p.Ala17011fs (NM_003319.4); c.70521del, p.Ala23508fs (NM_133378.4); c.51405del, p.Ala17136fs (NM_133432.3); c.51606del, p.Ala17203fs (NM_133437.4); short protein forms A17011fs, A17203fs, A23508fs, A17136fs, A26076fs, A24435fs.
Identifiers: ClinVar variation 451696 (VCV000451696.3), dbSNP rs1553596392, ClinGen allele CA658657138.